The following is an entry in ClinVar:

NM_000397.4(CYBB):c.47T>C (p.Leu16Pro)

Gene: CYBB (cytochrome b-245 beta chain; plus strand). Cytogenetic location: Xp21.1.
Variant type: single nucleotide variant.
Coding change: c.47T>C on transcript NM_000397.4 (MANE Select); coding-DNA position 47, T replaced by C.
Protein change: p.Leu16Pro; replaces leucine 16 with proline.
Molecular consequence: missense variant.
Genome position (GRCh38, 1-based): chrX:37,782,089, T>C. VCF-style: chrX-37782089-T-C. GRCh37 (hg19) VCF-style: chrX-37641342-T-C.
Other names: short protein forms L16P.
Identifiers: ClinVar variation 1683507 (VCV001683507.2), dbSNP rs2146803094, ClinGen allele CA412972259.

ClinVar aggregate classification (germline): Uncertain significance (1 of 4 stars; one submission).

Conditions:
Granulomatous disease, chronic, X-linked. Also called: CYTOCHROME b-NEGATIVE GRANULOMATOUS DISEASE, CHRONIC, X-LINKED; GRANULOMATOUS DISEASE, CHRONIC, X-LINKED, SOMATIC MOSAIC. Identifiers: Orphanet 379, MedGen C1844376, MONDO:0010600, OMIM 306400.

Submission:

Laboratorio de Genetica e Diagnostico Molecular, Hospital Israelita Albert Einstein
Classification: Uncertain significance for Granulomatous disease, chronic, X-linked. Last evaluated: 2022-01-26. Review status: criteria provided, single submitter. Criteria: ACMG Guidelines, 2015. Collection method: clinical testing. Allele origin: germline. Affected: yes.
Comment: ACMG classification criteria: PM2 moderate, PP3 supporting